The following is an entry in ClinVar:

ClinVar aggregate classification (germline): Likely benign (1 of 4 stars; one submission).

Submission:

CeGaT Center for Human Genetics Tuebingen
Classification: Likely benign. Last evaluated: 2025-04-01. Review status: criteria provided, single submitter. Criteria: CeGaT Center For Human Genetics Tuebingen Variant Classification Criteria Version 2. Collection method: clinical testing. Allele origin: germline. Affected: yes. Observed: 2 variant alleles.
Comment: ZSWIM6: PM2:Supporting, BP4, BP7

NM_020928.2(ZSWIM6):c.2823T>C (p.Phe941=)

Gene: ZSWIM6 (zinc finger SWIM-type containing 6; plus strand). Cytogenetic location: 5q12.1.
Variant type: single nucleotide variant.
Coding change: c.2823T>C on transcript NM_020928.2 (MANE Select); coding-DNA position 2823, T replaced by C.
Protein change: p.Phe941=; no amino-acid change (phenylalanine 941 retained).
Molecular consequence: synonymous variant.
Genome position (GRCh38, 1-based): chr5:61,543,492, T>C. VCF-style: chr5-61543492-T-C. GRCh37 (hg19) VCF-style: chr5-60839319-T-C.
Identifiers: ClinVar variation 3898565 (VCV003898565.7).